The following is an entry in ClinVar:

ClinVar aggregate classification (germline): Likely benign. Review status: criteria provided, single submitter (1 of 4 stars). 2 submissions from 2 submitters: Likely benign (1). 1 of the submissions does not count toward it. Last evaluated 2025-12-06.

Conditions:
Polycystic kidney disease. Also called: Kidney, Polycystic; Polycystic kidney dysplasia. Identifiers: MedGen C0022680, MeSH D007690, MONDO:0020642, HP:0000113.
Autosomal recessive polycystic kidney disease (ARPKD). Also called: AR polycystic kidney disease. Identifiers: Orphanet 731, Orphanet 8378, MedGen C0085548, MeSH D017044, MONDO:0009889.

Allele frequency attached by ClinVar (database versions not stated): gnomAD 0.00001; ExAC 0.00003; gnomAD exomes 0.00003; 1000 Genomes Project 30x 0.00016; 1000 Genomes Project 0.00020.
gnomAD v4.1: 44 of 1,614,142 alleles (0.0027%); highest among the groups gnomAD compares: South Asian, 0.022%; 1 homozygote.

Submissions (2):

Labcorp Genetics (formerly Invitae), Labcorp
Classification: Likely benign for Autosomal recessive polycystic kidney disease. Last evaluated: 2025-12-06. Review status: criteria provided, single submitter. Criteria: Invitae Variant Classification Sherloc (09022015). Collection method: clinical testing. Allele origin: germline.

Department of Pathology and Laboratory Medicine, Sinai Health System
Classification: Uncertain significance for Polycystic Kidney disease. Review status: no assertion criteria provided. Collection method: clinical testing. Allele origin: unknown. Affected: yes. Study: The Canadian Open Genetics Repository (COGR). Not counted in ClinVar's aggregate classification.
Comment: The PKHD1 p.Arg1235Gln variant was not identified in the literature nor was it identified in the Clinvitae database, the ClinVar database, GeneInsight COGR database, RWTH AAachen University ARPKD database and PKHD1-LOVD. The variant was identified in dbSNP (ID: rs rs567239866) as â€šÃ„ÃºNAâ€šÃ„Ã¹, COSMIC (1x in an endometrioid carcinoma, with note variant of unknown origin), the 1000 Genomes Project in 1 of 5000 chromosomes (frequency: 0.0002), HAPMAP-EUR in 1005 of 1006 chromosomes (frequency: 0.999), and the Exome Aggregation Consortium database (March 14, 2016) in 4 of 120576 chromosomes (freq. 0.00003) in the following populations: South Asian in 3 (1 homozygous) of 16466 chromosomes (freq. 0.00018), European (Non-Finnish) in 1 of 66270 chromosomes (freq. .000015), but was not seen in African, East Asian, Finnish, Latino and other populations; increasing the likelihood that this may be a low frequency benign variant in certain populations of origin. The p.Arg1235 residue is not conserved in mammals and computational analyses (PolyPhen-2, SIFT, AlignGVGD, BLOSUM, MutationTaster) do not suggest a high likelihood of impact to the protein; however, this information is not predictive enough to rule out pathogenicity. The variant amino acid Gln is present in macaque, opossum, platypus, and chicken, increasing the likelihood that this variant does not have clinical significance. The variant occurs outside of the splicing consensus sequence and 2 of 5 in silico or computational prediction software programs (SpliceSiteFinder, MaxEntScan, NNSPLICE, GeneSplicer, HumanSpliceFinder) predict a greater than 10% difference in splicing; In summary, based on the above information, the clinical significance of this variant cannot be determined with certainty at this time. This variant is classified as a variant of uncertain significance.

NM_138694.4(PKHD1):c.3704G>A (p.Arg1235Gln)

Gene: PKHD1 (PKHD1 ciliary IPT domain containing fibrocystin/polyductin; minus strand). Cytogenetic location: 6p12.2.
Variant type: single nucleotide variant.
Coding change: c.3704G>A on transcript NM_138694.4 (MANE Select); coding-DNA position 3704, G replaced by A.
Protein change: p.Arg1235Gln; replaces arginine 1235 with glutamine.
Molecular consequence: missense variant.
Genome position (GRCh38, 1-based): chr6:52,026,106, C>T on the plus strand (G>A on the coding strand, the complement: PKHD1 is on the minus strand). VCF-style: chr6-52026106-C-T. GRCh37 (hg19) VCF-style: chr6-51890904-C-T.
Other names: c.3704G>A, p.Arg1235Gln (NM_170724.3); short protein forms R1235Q.
Identifiers: ClinVar variation 434017 (VCV000434017.11), dbSNP rs567239866, ClinGen allele CA3852859.